The following is an entry in ClinVar:

NM_001110556.2(FLNA):c.6830dup (p.Ser2279fs)

Gene: FLNA (filamin A; minus strand). Cytogenetic location: Xq28.
Variant type: Duplication.
Coding change: c.6830dup on transcript NM_001110556.2 (MANE Select); coding-DNA position 6830, one base duplicated (G; older notation c.6830dupG).
Protein change: p.Ser2279fs; shifts the reading frame from serine 2279.
Molecular consequence: frameshift variant.
Genome position (GRCh38, 1-based): chrX:154,351,961, C duplicated on the plus strand (G on the coding strand, the reverse complement: FLNA is on the minus strand); the first of 3 consecutive C bases (chrX:154,351,961-154,351,963); duplicating any one gives the same sequence. VCF-style (leftmost placement, unchanged base first): chrX-154351960-G-GC. GRCh37 (hg19) VCF-style: chrX-153580328-G-GC.
Other names: c.6806dup, p.Ser2271fs (NM_001456.4); short protein forms S2271fs, S2279fs.
Identifiers: ClinVar variation 3756509 (VCV003756509.2).
Genomic context (GRCh38, chrX:154,351,960, plus strand): 5'-ATAAGCCACACCACAGGAGCCGTCCTTGCGGTCCTCAAAAGAGATCTCAGCCTTGCTGGG[G>GC]CCCTCGACAGCAATGGCCAGGCCTCCAGCACCAGCTTCCCGGGTCCAGATACTGAATTCG-3'

ClinVar aggregate classification (germline): Pathogenic (1 of 4 stars; one submission).

Conditions:
Melnick-Needles syndrome (MNS). Also called: MELNICK-NEEDLES OSTEODYSPLASTY; OSTEODYSPLASTY OF MELNICK AND NEEDLES; Melnick-Needles Syndrome (FLNA-MNS). Identifiers: Orphanet 2484, MedGen C0025237, MONDO:0010650, OMIM 309350.
Frontometaphyseal dysplasia (FMD1). Identifiers: Orphanet 1826, MedGen C0265293, MONDO:0015942.
Heterotopia, periventricular, X-linked dominant (PVNH1). Also called: PERIVENTRICULAR NODULAR HETEROTOPIA 1; X-linked periventricular heterotopia; PERIVENTRICULAR NODULAR HETEROTOPIA 4; HETEROTOPIA, PERIVENTRICULAR, 1. Identifiers: Orphanet 2149, Orphanet 82004, MedGen C1848213, MONDO:0010233, OMIM 300049.
Oto-palato-digital syndrome, type II (OPD2). Also called: FACIOPALATOOSSEOUS SYNDROME; OPD II SYNDROME; Otopalatodigital Syndrome, Type II; Otopalatodigital Syndrome Type 2 (FLNA-OPD2). Identifiers: Orphanet 669, Orphanet 90652, MedGen C1844696, MONDO:0010571, OMIM 304120.

Submission:

Labcorp Genetics (formerly Invitae), Labcorp
Classification: Pathogenic for Oto-palato-digital syndrome, type II; Heterotopia, periventricular, X-linked dominant; Frontometaphyseal dysplasia; Melnick-Needles syndrome. Last evaluated: 2024-05-29. Review status: criteria provided, single submitter. Criteria: Invitae Variant Classification Sherloc (09022015). Collection method: clinical testing. Allele origin: germline.
Comment: This sequence change creates a premature translational stop signal (p.Ser2271Glnfs*4) in the FLNA gene. It is expected to result in an absent or disrupted protein product. Loss-of-function variants in FLNA are known to be pathogenic (PMID: 16684786, 20730588, 26471271). This variant is not present in population databases (gnomAD no frequency). This variant has not been reported in the literature in individuals affected with FLNA-related conditions. For these reasons, this variant has been classified as Pathogenic.

Literature cited by the submitters: PubMed 16684786; PubMed 20730588; PubMed 26471271.